The following is an entry in ClinVar:

NM_000834.5(GRIN2B):c.3539A>G (p.Lys1180Arg)

Gene: GRIN2B (glutamate ionotropic receptor NMDA type subunit 2B; minus strand). Cytogenetic location: 12p13.1.
Variant type: single nucleotide variant.
Coding change: c.3539A>G on transcript NM_000834.5 (MANE Select); coding-DNA position 3539, A replaced by G.
Protein change: p.Lys1180Arg; replaces lysine 1180 with arginine.
Molecular consequence: missense variant.
Genome position (GRCh38, 1-based): chr12:13,563,699, T>C on the plus strand (A>G on the coding strand, the complement: GRIN2B is on the minus strand). VCF-style: chr12-13563699-T-C. GRCh37 (hg19) VCF-style: chr12-13716633-T-C.
Other names: c.3539A>G, p.Lys1180Arg (NM_001413992.1); short protein forms K1180R.
Identifiers: ClinVar variation 1732428 (VCV001732428.3), dbSNP rs1948586442, ClinGen allele CA383988681.

ClinVar aggregate classification (germline): Uncertain significance. Review status: criteria provided, multiple submitters, no conflicts (2 of 4 stars). 2 submissions from 2 submitters: Uncertain significance (2). Last evaluated 2024-04-23.

Conditions:
Inborn genetic diseases. Identifiers: MedGen C0950123, MeSH D030342.

Allele frequency attached by ClinVar (database versions not stated): TOPMed 0.00002.
gnomAD v4.1: 1 of 1,613,672 alleles (0.000062%); no homozygotes.

Submissions (2):

Blueprint Genetics
Classification: Uncertain significance. Last evaluated: 2024-04-23. Review status: criteria provided, single submitter. Criteria: ACMG Guidelines, 2015. Collection method: clinical testing. Allele origin: germline.

Ambry Genetics
Classification: Uncertain significance for Inborn genetic diseases. Last evaluated: 2017-12-07. Review status: criteria provided, single submitter. Criteria: Ambry Variant Classification Scheme 2023. Collection method: clinical testing. Allele origin: germline.
Comment: The p.K1180R variant (also known as c.3539A>G), located in coding exon 12 of the GRIN2B gene, results from an A to G substitution at nucleotide position 3539. The lysine at codon 1180 is replaced by arginine, an amino acid with highly similar properties. This amino acid position is well conserved in available vertebrate species. In addition, this alteration is predicted to be tolerated by in silico analysis. Since supporting evidence is limited at this time, the clinical significance of this alteration remains unclear.